The following is an entry in ClinVar:

ClinVar aggregate classification (germline): Uncertain significance (1 of 4 stars; one submission).

Conditions:
Long QT syndrome (LQTS). Identifiers: MedGen C0023976, MeSH D008133, MONDO:0002442. Disease mechanism: loss of function. Inheritance: Various modes of inheritance.

Allele frequency attached by ClinVar (database versions not stated): gnomAD exomes below 0.00001.
gnomAD v4.1: 1 of 1,486,754 alleles (0.000067%); highest among the groups gnomAD compares: Non-Finnish European, 0.000092%; no homozygotes.

Submission:

Labcorp Genetics (formerly Invitae), Labcorp
Classification: Uncertain significance for Long QT syndrome. Last evaluated: 2025-08-03. Review status: criteria provided, single submitter. Criteria: Invitae Variant Classification Sherloc (09022015). Collection method: clinical testing. Allele origin: germline.
Comment: This sequence change replaces glutamine, which is neutral and polar, with arginine, which is basic and polar, at codon 2214 of the AKAP9 protein (p.Gln2214Arg). This variant is not present in population databases (gnomAD no frequency). This variant has not been reported in the literature in individuals affected with AKAP9-related conditions. ClinVar contains an entry for this variant (Variation ID: 2761410). An algorithm developed to predict the effect of missense changes on protein structure and function (PolyPhen-2) suggests that this variant is likely to be disruptive. In summary, the available evidence is currently insufficient to determine the role of this variant in disease. Therefore, it has been classified as a Variant of Uncertain Significance.

NM_005751.5(AKAP9):c.6641A>G (p.Gln2214Arg)

Gene: AKAP9 (A-kinase anchoring protein 9; plus strand). Cytogenetic location: 7q21.2.
Variant type: single nucleotide variant.
Coding change: c.6641A>G on transcript NM_005751.5 (MANE Select); coding-DNA position 6641, A replaced by G.
Protein change: p.Gln2214Arg; replaces glutamine 2214 with arginine.
Molecular consequence: missense variant.
Genome position (GRCh38, 1-based): chr7:92,076,883, A>G. VCF-style: chr7-92076883-A-G. GRCh37 (hg19) VCF-style: chr7-91706197-A-G.
Other names: c.1286A>G, p.Gln429Arg (NM_001379277.1); c.6617A>G, p.Gln2206Arg (NM_147185.3); short protein forms Q2206R, Q2214R, Q429R.
Identifiers: ClinVar variation 2761410 (VCV002761410.3), dbSNP rs2535236375, ClinGen allele CA368132826.